The following is an entry in ClinVar:

ClinVar aggregate classification (germline): Likely benign (0 of 4 stars; one submission).

Conditions:
CUBN-related disorder. Also called: CUBN-related condition.

Allele frequency attached by ClinVar (database versions not stated): ExAC 0.00001.

Submission:

PreventionGenetics, part of Exact Sciences
Classification: Likely benign for CUBN-related condition. Last evaluated: 2021-11-04. Review status: no assertion criteria provided. Collection method: clinical testing. Allele origin: germline.
Comment: This variant is classified as likely benign based on ACMG/AMP sequence variant interpretation guidelines (Richards et al. 2015 PMID: 25741868, with internal and published modifications).

NM_001081.4(CUBN):c.108C>T (p.Ser36=)

Gene: CUBN (cubilin; minus strand). Cytogenetic location: 10p13.
Variant type: single nucleotide variant.
Coding change: c.108C>T on transcript NM_001081.4 (MANE Select); coding-DNA position 108, C replaced by T.
Protein change: p.Ser36=; no amino-acid change (serine 36 retained).
Molecular consequence: synonymous variant.
Genome position (GRCh38, 1-based): chr10:17,129,658, G>A on the plus strand (C>T on the coding strand, the complement: CUBN is on the minus strand). VCF-style: chr10-17129658-G-A. GRCh37 (hg19) VCF-style: chr10-17171657-G-A.
Identifiers: ClinVar variation 3061627 (VCV003061627.2), dbSNP rs764985247, ClinGen allele CA5425798.